The following is an entry in ClinVar:

NM_014780.5(CUL7):c.1882del (p.Tyr628fs)

Gene: CUL7 (cullin 7; minus strand). Cytogenetic location: 6p21.1.
Variant type: Deletion.
Coding change: c.1882del on transcript NM_014780.5 (MANE Select); coding-DNA position 1882, one base deleted (T; older notation c.1882delT).
Protein change: p.Tyr628fs; shifts the reading frame from tyrosine 628.
Molecular consequence: frameshift variant.
Genome position (GRCh38, 1-based): chr6:43,048,513, A deleted on the plus strand (T on the coding strand, the reverse complement: CUL7 is on the minus strand); the first of 2 consecutive A bases (chr6:43,048,513-43,048,514); deleting either gives the same sequence. VCF-style (leftmost placement, unchanged base first): chr6-43048512-TA-T. GRCh37 (hg19) VCF-style: chr6-43016250-TA-T.
Other names: c.1978del, p.Tyr660fs (NM_001168370.2, NM_001374872.1); c.1882del, p.Tyr628fs (NM_001374873.1, NM_001374874.1); short protein forms Y660fs, Y628fs.
Identifiers: ClinVar variation 2094240 (VCV002094240.4), dbSNP rs2532698353, ClinGen allele CA2580074612.

ClinVar aggregate classification (germline): Pathogenic (1 of 4 stars; one submission).

Submission:

Labcorp Genetics (formerly Invitae), Labcorp
Classification: Pathogenic. Last evaluated: 2022-12-02. Review status: criteria provided, single submitter. Criteria: Invitae Variant Classification Sherloc (09022015). Collection method: clinical testing. Allele origin: germline.
Comment: For these reasons, this variant has been classified as Pathogenic. This variant has not been reported in the literature in individuals affected with CUL7-related conditions. This variant is not present in population databases (gnomAD no frequency). This sequence change creates a premature translational stop signal (p.Tyr628Metfs*11) in the CUL7 gene. It is expected to result in an absent or disrupted protein product. Loss-of-function variants in CUL7 are known to be pathogenic (PMID: 16142236, 17675530, 19225462).

Literature cited by the submitters: PubMed 16142236; PubMed 17675530; PubMed 19225462.